The following is an entry in ClinVar:

ClinVar aggregate classification (germline): Uncertain significance (1 of 4 stars; one submission).

Conditions:
Cardiomyopathy (CMYO). Also called: Cardiomyopathies. Identifiers: Orphanet 167848, MedGen C0878544, MONDO:0004994, HP:0001638. Inheritance: Various modes of inheritance.

Submission:

Color Diagnostics, LLC DBA Color Health
Classification: Uncertain significance for Cardiomyopathy. Last evaluated: 2020-09-15. Review status: criteria provided, single submitter. Criteria: ACMG Guidelines, 2015. Collection method: clinical testing. Allele origin: germline.
Comment: This missense variant replaces arginine with lysine at codon 507 of the DSC2 protein. Computational prediction suggests that this variant may not impact protein structure and function (internally defined REVEL score threshold <= 0.5, PMID: 27666373). Splice prediction tools suggest that this variant may impact RNA splicing. To our knowledge, functional studies have not been reported for this variant. This variant has not been reported in individuals affected with cardiovascular disorders in the literature. This variant has not been identified in the general population by the Genome Aggregation Database (gnomAD). The available evidence is insufficient to determine the role of this variant in disease conclusively. Therefore, this variant is classified as a Variant of Uncertain Significance.

NM_024422.6(DSC2):c.1520G>A (p.Arg507Lys)

Gene: DSC2 (desmocollin 2; minus strand). Cytogenetic location: 18q12.1.
Variant type: single nucleotide variant.
Coding change: c.1520G>A on transcript NM_024422.6 (MANE Select); coding-DNA position 1520, G replaced by A.
Protein change: p.Arg507Lys; replaces arginine 507 with lysine.
Molecular consequence: missense variant.
Genome position (GRCh38, 1-based): chr18:31,080,096, C>T on the plus strand (G>A on the coding strand, the complement: DSC2 is on the minus strand). VCF-style: chr18-31080096-C-T. GRCh37 (hg19) VCF-style: chr18-28660062-C-T.
Other names: c.1520G>A, p.Arg507Lys (NM_004949.5); short protein forms R507K.
Identifiers: ClinVar variation 1171526 (VCV001171526.2), dbSNP rs2144813287, ClinGen allele CA402108318.